The following is an entry in ClinVar:

NM_153240.5(NPHP3):c.1853T>C (p.Ile618Thr)

Genes: NPHP3 (nephrocystin 3; minus strand), NPHP3-ACAD11 (NPHP3-ACAD11 readthrough (NMD candidate); minus strand). Cytogenetic location: 3q22.1.
Variant type: single nucleotide variant.
Coding change: c.1853T>C on transcript NM_153240.5 (MANE Select); coding-DNA position 1853, T replaced by C.
Protein change: p.Ile618Thr; replaces isoleucine 618 with threonine.
Molecular consequence: missense variant. On other transcripts: non-coding transcript variant (1).
Genome position (GRCh38, 1-based): chr3:132,699,952, A>G on the plus strand (T>C on the coding strand, the complement: NPHP3 is on the minus strand). VCF-style: chr3-132699952-A-G. GRCh37 (hg19) VCF-style: chr3-132418796-A-G.
Other names: short protein forms I618T.
Identifiers: ClinVar variation 343386 (VCV000343386.27), dbSNP rs139730838, ClinGen allele CA2622191.

ClinVar aggregate classification (germline): Conflicting classifications of pathogenicity. Review status: criteria provided, conflicting classifications (1 of 4 stars). 9 submissions from 7 submitters: Uncertain significance (4); Likely benign (4). 1 of the submissions does not count toward it. Last evaluated 2026-01-14.

Conditions:
Renal-hepatic-pancreatic dysplasia 1 (RHPD1). Identifiers: MedGen C3715199, MONDO:0008833, OMIM 208540.
Nephronophthisis 3 (NPHP3). Also called: Adolescent nephronophthisis. Identifiers: Orphanet 655, MedGen C1858392, MONDO:0011456, OMIM 604387.
NPHP3-related Meckel-like syndrome. Also called: GOLDSTON SYNDROME; Meckel syndrome type 7. Identifiers: Orphanet 3032, MedGen C2673885, MONDO:0009966, OMIM 267010.
NPHP3-related disorder. Also called: NPHP3-related condition; NPHP3-related disorders. Identifiers: MedGen CN379163.
Nephronophthisis. Also called: Juvenile Nephronophthisis. Identifiers: Orphanet 655, MedGen C0687120, MONDO:0019005, HP:0000090.

Allele frequency attached by ClinVar (database versions not stated): TOPMed 0.00023; 1000 Genomes Project 0.00040; 1000 Genomes Project 30x 0.00047; ESP Exome Variant Server 0.00054; ExAC 0.00074.
gnomAD v4.1: 722 of 1,614,164 alleles (0.045%); highest among the groups gnomAD compares: South Asian, 0.29%; 2 homozygotes.

Submissions (9):

Labcorp Genetics (formerly Invitae), Labcorp
Classification: Likely benign for Nephronophthisis. Last evaluated: 2026-01-14. Review status: criteria provided, single submitter. Criteria: Invitae Variant Classification Sherloc (09022015). Collection method: clinical testing. Allele origin: germline.

Blueprint Genetics
Classification: Likely benign. Last evaluated: 2024-11-20. Review status: criteria provided, single submitter. Criteria: ACMG Guidelines, 2015. Collection method: clinical testing. Allele origin: germline.

Revvity Omics, Revvity
Classification: Uncertain significance. Last evaluated: 2021-12-02. Review status: criteria provided, single submitter. Criteria: ACMG Guidelines, 2015. Collection method: clinical testing. Allele origin: germline.

GeneDx
Classification: Likely benign. Last evaluated: 2020-12-03. Review status: criteria provided, single submitter. Criteria: GeneDx Variant Classification Process June 2021. Collection method: clinical testing. Allele origin: germline. Affected: yes.
Comment: Has not been previously published as pathogenic or benign to our knowledge

Illumina Laboratory Services, Illumina
Classification: Uncertain significance for NPHP3-related Meckel-like syndrome. Last evaluated: 2018-01-13. Review status: criteria provided, single submitter. Criteria: ICSL Variant Classification Criteria 13 December 2019. Collection method: clinical testing. Allele origin: germline.

Illumina Laboratory Services, Illumina
Classification: Likely benign for Renal-hepatic-pancreatic dysplasia 1. Last evaluated: 2018-01-13. Review status: criteria provided, single submitter. Criteria: ICSL Variant Classification Criteria 13 December 2019. Collection method: clinical testing. Allele origin: germline.
Comment: This variant was observed in the ICSL laboratory as part of a predisposition screen in an ostensibly healthy population. It had not been previously curated by ICSL or reported in the Human Gene Mutation Database (HGMD: prior to June 1st, 2018), and was therefore a candidate for classification through an automated scoring system. Utilizing variant allele frequency, disease prevalence and penetrance estimates, and inheritance mode, an automated score was calculated to assess if this variant is too frequent to cause the disease. Based on the score and internal cut-off values, a variant classified as likely benign is not then subjected to further curation. The score for this variant resulted in a classification of likely benign for this disease.

Illumina Laboratory Services, Illumina
Classification: Uncertain significance for Nephronophthisis 3. Last evaluated: 2018-01-13. Review status: criteria provided, single submitter. Criteria: ICSL Variant Classification Criteria 13 December 2019. Collection method: clinical testing. Allele origin: germline.

Eurofins Ntd Llc (ga)
Classification: Uncertain significance. Last evaluated: 2017-04-06. Review status: criteria provided, single submitter. Criteria: EGL Classification Definitions 2015. Collection method: clinical testing. Allele origin: germline. Observed: 2 variant alleles, 2 heterozygotes.

PreventionGenetics, part of Exact Sciences
Classification: Likely benign for NPHP3-related condition. Last evaluated: 2022-04-18. Review status: no assertion criteria provided. Collection method: clinical testing. Allele origin: germline. Not counted in ClinVar's aggregate classification.
Comment: This variant is classified as likely benign based on ACMG/AMP sequence variant interpretation guidelines (Richards et al. 2015 PMID: 25741868, with internal and published modifications).